The following is an entry in ClinVar:

ClinVar aggregate classification (germline): Pathogenic. Review status: criteria provided, single submitter (1 of 4 stars). 3 submissions from 3 submitters: Pathogenic (1). 2 of the submissions do not count toward it. Last evaluated 2022-05-27.

Conditions:
Charcot-Marie-Tooth disease. Also called: Charcot-Marie-Tooth Neuropathy; Charcot-Marie-Tooth Hereditary Neuropathy. Identifiers: Orphanet 166, MedGen C0007959, MONDO:0015626.
Charcot-Marie-Tooth disease axonal type 2P. Also called: CHARCOT-MARIE-TOOTH NEUROPATHY, TYPE 2P; CHARCOT-MARIE-TOOTH DISEASE, AXONAL, TYPE 2G; CMT 2G; Charcot-Marie-Tooth Neuropathy Type 2G. Identifiers: Orphanet 300319, Orphanet 99941, MedGen C3280797, MONDO:0013753, OMIM 614436.

Allele frequency attached by ClinVar (database versions not stated): gnomAD exomes below 0.00001; TOPMed below 0.00001.
gnomAD v4.1: 1 of 1,611,984 alleles (0.000062%); highest among the groups gnomAD compares: Non-Finnish European, 0.000085%; no homozygotes.

Submissions (3):

Labcorp Genetics (formerly Invitae), Labcorp
Classification: Pathogenic for Charcot-Marie-Tooth disease axonal type 2P. Last evaluated: 2022-05-27. Review status: criteria provided, single submitter. Criteria: Invitae Variant Classification Sherloc (09022015). Collection method: clinical testing. Allele origin: germline.
Comment: Variants that disrupt the consensus splice site are a relatively common cause of aberrant splicing (PMID: 17576681, 9536098). Studies have shown that this variant results in activation of a cryptic splice site and introduces a new termination codon (PMID: 22781092). However the mRNA is not expected to undergo nonsense-mediated decay. For these reasons, this variant has been classified as Pathogenic. Experimental studies have shown that this variant affects LRSAM1 function (PMID: 29845787). Algorithms developed to predict the effect of variants on protein structure and function are not available or were not evaluated for this variant. ClinVar contains an entry for this variant (Variation ID: 41418). This variant has been observed in individual(s) with autosomal dominant Charcot-Marie-Tooth disease (PMID: 22781092, 28286897). It has also been observed to segregate with disease in related individuals. This variant is not present in population databases (gnomAD no frequency). This sequence change falls in intron 24 of the LRSAM1 gene. It does not directly change the encoded amino acid sequence of the LRSAM1 protein. RNA analysis indicates that this variant induces altered splicing and likely disrupts the C-terminus of the protein.

OMIM
Classification: Pathogenic for CHARCOT-MARIE-TOOTH DISEASE, AXONAL, TYPE 2P. Last evaluated: 2013-02-01. Review status: no assertion criteria provided. Collection method: literature only. Allele origin: germline. Not counted in ClinVar's aggregate classification.

Inherited Neuropathy Consortium
Classification: Uncertain significance for Charcot-Marie-Tooth disease. Review status: no assertion criteria provided. Collection method: literature only. Allele origin: germline. Affected: yes. Not counted in ClinVar's aggregate classification.

Literature cited by the submitters: PubMed 17576681 (cited by Labcorp Genetics (formerly Invitae), Labcorp); PubMed 9536098 (cited by Labcorp Genetics (formerly Invitae), Labcorp); PubMed 22781092 (cited by 3 submitters); PubMed 29845787 (cited by Labcorp Genetics (formerly Invitae), Labcorp); PubMed 28286897 (cited by Labcorp Genetics (formerly Invitae), Labcorp).

NM_001005373.4(LRSAM1):c.2047-1G>A

Gene: LRSAM1 (leucine rich repeat and sterile alpha motif containing 1; plus strand). Cytogenetic location: 9q34.11.
Variant type: single nucleotide variant.
Coding change: c.2047-1G>A on transcript NM_001005373.4 (MANE Select); the canonical splice acceptor site of the intron before coding-DNA position 2047, G replaced by A.
Molecular consequence: splice acceptor variant.
Genome position (GRCh38, 1-based): chr9:127,502,773, G>A. VCF-style: chr9-127502773-G-A. GRCh37 (hg19) VCF-style: chr9-130265052-G-A.
Other names: IVS24AS, G-A, -1; c.2047-1G>A (NM_138361.5, NM_001384142.1, NM_001005374.4); c.1948-1G>A (NM_001384143.1); c.1966-1G>A (NM_001190723.3); c.1258-1G>A (NM_001384144.1).
Identifiers: ClinVar variation 41418 (VCV000041418.8), dbSNP rs1564287793, ClinGen allele CA374938406.